The following is an entry in ClinVar:

NM_000548.5(TSC2):c.3780G>A (p.Thr1260=)

Gene: TSC2 (TSC complex subunit 2; plus strand). Cytogenetic location: 16p13.3.
Variant type: single nucleotide variant.
Coding change: c.3780G>A on transcript NM_000548.5 (MANE Select); coding-DNA position 3780, G replaced by A.
Protein change: p.Thr1260=; no amino-acid change (threonine 1260 retained).
Molecular consequence: synonymous variant.
Genome position (GRCh38, 1-based): chr16:2,081,764, G>A. VCF-style: chr16-2081764-G-A. GRCh37 (hg19) VCF-style: chr16-2131765-G-A.
Other names: c.3648G>A, p.Thr1216= (NM_001077183.3, NM_001370404.1); c.3780G>A, p.Thr1260= (NM_001114382.3); c.3540G>A, p.Thr1180= (NM_001318827.2); c.3504G>A, p.Thr1168= (NM_001318829.2); c.3048G>A, p.Thr1016= (NM_001318831.2); c.3681G>A, p.Thr1227= (NM_001318832.2); c.3651G>A, p.Thr1217= (NM_001363528.2, NM_001370405.1, NM_021055.3); c.3780G>A (NM_000548.4).
Identifiers: ClinVar variation 378787 (VCV000378787.25), dbSNP rs199742312, ClinGen allele CA048396.

ClinVar aggregate classification (germline): Benign/Likely benign. Review status: criteria provided, multiple submitters, no conflicts (2 of 4 stars). 10 submissions from 10 submitters: Benign (3); Likely benign (6). 1 of the submissions does not count toward it. Last evaluated 2025-10-30.

Conditions:
Isolated focal cortical dysplasia type II (FCORD2). Also called: CORTICAL DYSPLASIA OF TAYLOR; Focal cortical dysplasia type II. Identifiers: Orphanet 268994, MedGen C1846385, MONDO:0011818, OMIM 607341, HP:0032051.
Lymphangiomyomatosis (LAM). Also called: Lymphangioleiomyomatosis, somatic; Lymphangioleiomyomatosis. Identifiers: Orphanet 538, MedGen C0751674, MONDO:0011705, OMIM 606690.
Tuberous sclerosis 2 (TSC2). Identifiers: Orphanet 805, MedGen C1860707, MONDO:0013199, OMIM 613254.
TSC2-related disorder. Also called: TSC2-Related Disorders; TSC2-related condition.
Hereditary cancer-predisposing syndrome. Also called: Hereditary neoplastic syndrome; Tumor predisposition; Neoplastic Syndromes, Hereditary; Hereditary Cancer Syndrome. Identifiers: Orphanet 140162, MedGen C0027672, MeSH D009386, MONDO:0015356.
Tuberous sclerosis syndrome (TSC). Also called: Tuberous sclerosis; Tuberous Sclerosis Complex. Identifiers: Orphanet 805, MedGen C0041341, MONDO:0001734.

Allele frequency attached by ClinVar (database versions not stated): gnomAD 0.00001 and 0.00002; TOPMed 0.00001; ExAC 0.00002; gnomAD exomes 0.00002.
gnomAD v4.1: 17 of 1,612,612 alleles (0.0011%); highest among the groups gnomAD compares: South Asian, 0.0066%; no homozygotes.

Submissions (10):

Labcorp Genetics (formerly Invitae), Labcorp
Classification: Likely benign for Tuberous sclerosis 2. Last evaluated: 2025-10-30. Review status: criteria provided, single submitter. Criteria: Invitae Variant Classification Sherloc (09022015). Collection method: clinical testing. Allele origin: germline.

Myriad Genetics, Inc.
Classification: Benign for Tuberous sclerosis 2. Last evaluated: 2025-05-30. Review status: criteria provided, single submitter. Criteria: Myriad Autosomal Dominant, Autosomal Recessive and X-Linked Classification Criteria (2023). Collection method: clinical testing. Allele origin: unknown.
Comment: This variant is considered benign. This variant is a silent/synonymous amino acid change and it is not expected to impact splicing.

KCCC/NGS Laboratory, Kuwait Cancer Control Center
Classification: Benign for Tuberous sclerosis 2. Last evaluated: 2025-02-01. Review status: criteria provided, single submitter. Criteria: ACMG Guidelines, 2015. Collection method: clinical testing. Allele origin: germline. Affected: no.

All of Us Research Program, National Institutes of Health
Classification: Likely benign for Tuberous sclerosis syndrome. Last evaluated: 2024-01-11. Review status: criteria provided, single submitter. Criteria: ACMG Guidelines, 2015. Collection method: clinical testing. Allele origin: germline. Inheritance: Autosomal dominant inheritance. Observed: 3 variant alleles, 3 heterozygotes.
Comment: This study involves interpretation of variants in research participants for the purpose of population health screening. Participant phenotype was not available at the time of variant classification. Additional details can be found in publication PMID: 35346344, PMCID: PMC8962531

Fulgent Genetics
Classification: Likely benign for Lymphangiomyomatosis; Isolated focal cortical dysplasia type II; Tuberous sclerosis 2. Last evaluated: 2022-04-13. Review status: criteria provided, single submitter. Criteria: ACMG Guidelines, 2015. Collection method: clinical testing. Allele origin: unknown.

Genome-Nilou Lab
Classification: Benign for Tuberous sclerosis 2. Last evaluated: 2021-11-07. Review status: criteria provided, single submitter. Criteria: ACMG Guidelines, 2015. Collection method: clinical testing. Allele origin: germline. Affected: no.

Sema4
Classification: Likely benign for Hereditary cancer-predisposing syndrome. Last evaluated: 2021-07-27. Review status: criteria provided, single submitter. Criteria: Sema4 Curation Guidelines. Collection method: curation. Allele origin: germline.

GeneDx
Classification: Likely benign. Last evaluated: 2019-11-15. Review status: criteria provided, single submitter. Criteria: GeneDx Variant Classification Process June 2021. Collection method: clinical testing. Allele origin: germline. Affected: yes.

Ambry Genetics
Classification: Likely benign for Hereditary cancer-predisposing syndrome. Last evaluated: 2016-09-22. Review status: criteria provided, single submitter. Criteria: Ambry Variant Classification Scheme 2023. Collection method: clinical testing. Allele origin: germline.

PreventionGenetics, part of Exact Sciences
Classification: Likely benign for TSC2-related condition. Last evaluated: 2024-06-17. Review status: no assertion criteria provided. Collection method: clinical testing. Allele origin: germline. Not counted in ClinVar's aggregate classification.
Comment: This variant is classified as likely benign based on ACMG/AMP sequence variant interpretation guidelines (Richards et al. 2015 PMID: 25741868, with internal and published modifications).